The following is an entry in ClinVar:

ClinVar aggregate classification (germline): Uncertain significance (1 of 4 stars; one submission).

Submission:

Labcorp Genetics (formerly Invitae), Labcorp
Classification: Uncertain significance. Last evaluated: 2024-11-28. Review status: criteria provided, single submitter. Criteria: Invitae Variant Classification Sherloc (09022015). Collection method: clinical testing. Allele origin: germline.
Comment: This sequence change replaces tyrosine, which is neutral and polar, with aspartic acid, which is acidic and polar, at codon 515 of the DSG1 protein (p.Tyr515Asp). This variant is not present in population databases (gnomAD no frequency). This variant has not been reported in the literature in individuals affected with DSG1-related conditions. An algorithm developed to predict the effect of missense changes on protein structure and function outputs the following: PolyPhen-2: "Benign". The aspartic acid amino acid residue is found in multiple mammalian species, which suggests that this missense change does not adversely affect protein function. In summary, the available evidence is currently insufficient to determine the role of this variant in disease. Therefore, it has been classified as a Variant of Uncertain Significance.

NM_001942.4(DSG1):c.1543T>G (p.Tyr515Asp)

Gene: DSG1 (desmoglein 1; plus strand). Cytogenetic location: 18q12.1.
Variant type: single nucleotide variant.
Coding change: c.1543T>G on transcript NM_001942.4 (MANE Select); coding-DNA position 1543, T replaced by G.
Protein change: p.Tyr515Asp; replaces tyrosine 515 with aspartic acid.
Molecular consequence: missense variant.
Genome position (GRCh38, 1-based): chr18:31,339,881, T>G. VCF-style: chr18-31339881-T-G. GRCh37 (hg19) VCF-style: chr18-28919844-T-G.
Other names: short protein forms Y515D.
Identifiers: ClinVar variation 3725685 (VCV003725685.2).
Genomic context (GRCh38, chr18:31,339,881, plus strand): 5'-GAGCCGAACACTAAAATTACTACCAATACTGGCAGACAAGAAAGTACTTCTTCCACTAAC[T>G]ATGATACCAGCACAACTTCTACTGACTCTAGCCAAGTATATTCTTCTGAACCCGGAAACG-3'
Protein context (NP_001933.2, residues 505-525): GRQESTSSTN[Tyr515Asp]DTSTTSTDSS